The following is an entry in ClinVar:

NM_001378615.1(CC2D2A):c.837G>A (p.Leu279=)

Genes: CC2D2A (coiled-coil and C2 domain containing 2A; plus strand), FBXL5 (F-box and leucine rich repeat protein 5; minus strand). Cytogenetic location: 4p15.32.
Variant type: single nucleotide variant.
Coding change: c.837G>A on transcript NM_001378615.1 (MANE Select); coding-DNA position 837, G replaced by A.
Protein change: p.Leu279=; no amino-acid change (leucine 279 retained).
Molecular consequence: synonymous variant.
Genome position (GRCh38, 1-based): chr4:15,514,826, G>A. VCF-style: chr4-15514826-G-A. GRCh37 (hg19) VCF-style: chr4-15516449-G-A.
Other names: c.837G>A, p.Leu279= (NM_001080522.2); c.690G>A, p.Leu230= (NM_001378617.1).
Identifiers: ClinVar variation 1561597 (VCV001561597.11), dbSNP rs771694343, ClinGen allele CA2863502.

ClinVar aggregate classification (germline): Likely benign. Review status: criteria provided, multiple submitters, no conflicts (2 of 4 stars). 3 submissions from 3 submitters: Likely benign (2). 1 of the submissions does not count toward it. Last evaluated 2025-12-29.

Conditions:
Joubert syndrome. Also called: JOUBERT-BOLTSHAUSER SYNDROME; Familial aplasia of the vermis. Identifiers: Orphanet 475, MedGen C5979921, MONDO:0018772.
Meckel-Gruber syndrome. Also called: DYSENCEPHALIA SPLANCHNOCYSTICA; GRUBER SYNDROME; Dysencephalia splachnocystica. Identifiers: Orphanet 564, MedGen C0265215, MONDO:0018921.
CC2D2A-related disorder. Also called: CC2D2A-related disorders; CC2D2A-related condition. Identifiers: MedGen CN239313.

Allele frequency attached by ClinVar (database versions not stated): gnomAD exomes 0.00003 and 0.00010; ExAC 0.00007.
gnomAD v4.1: 52 of 1,613,960 alleles (0.0032%); highest among the groups gnomAD compares: South Asian, 0.049%; no homozygotes.

Submissions (3):

Labcorp Genetics (formerly Invitae), Labcorp
Classification: Likely benign for Joubert syndrome; Meckel-Gruber syndrome. Last evaluated: 2025-12-29. Review status: criteria provided, single submitter. Criteria: Invitae Variant Classification Sherloc (09022015). Collection method: clinical testing. Allele origin: germline.

Blueprint Genetics
Classification: Likely benign. Last evaluated: 2024-05-29. Review status: criteria provided, single submitter. Criteria: ACMG Guidelines, 2015. Collection method: clinical testing. Allele origin: germline.

PreventionGenetics, part of Exact Sciences
Classification: Likely benign for CC2D2A-related condition. Last evaluated: 2022-11-21. Review status: no assertion criteria provided. Collection method: clinical testing. Allele origin: germline. Not counted in ClinVar's aggregate classification.
Comment: This variant is classified as likely benign based on ACMG/AMP sequence variant interpretation guidelines (Richards et al. 2015 PMID: 25741868, with internal and published modifications).